The following is an entry in ClinVar:

ClinVar aggregate classification (germline): Uncertain significance (1 of 4 stars; one submission).

Conditions:
Predisposition to invasive fungal disease due to CARD9 deficiency (IMD103). Also called: CARD9 IMMUNODEFICIENCY; IMMUNODEFICIENCY 103, SUSCEPTIBILITY TO FUNGAL INFECTIONS; Candidiasis, familial, 2, autosomal recessive. Identifiers: Orphanet 457088, MedGen C1859353, MONDO:0008905, OMIM 212050.

Allele frequency attached by ClinVar (database versions not stated): gnomAD exomes 0.00002 and 0.00003; ExAC 0.00003; gnomAD 0.00003 and 0.00004; TOPMed 0.00003; ESP Exome Variant Server 0.00008.
gnomAD v4.1: 41 of 1,612,570 alleles (0.0025%); highest among the groups gnomAD compares: Non-Finnish European, 0.0033%; no homozygotes.

Submission:

Labcorp Genetics (formerly Invitae), Labcorp
Classification: Uncertain significance for Predisposition to invasive fungal disease due to CARD9 deficiency. Last evaluated: 2022-03-28. Review status: criteria provided, single submitter. Criteria: Invitae Variant Classification Sherloc (09022015). Collection method: clinical testing. Allele origin: germline.
Comment: This sequence change replaces glutamic acid, which is acidic and polar, with lysine, which is basic and polar, at codon 5 of the CARD9 protein (p.Glu5Lys). This variant is present in population databases (rs371061371, gnomAD 0.006%). This variant has not been reported in the literature in individuals affected with CARD9-related conditions. ClinVar contains an entry for this variant (Variation ID: 1025822). Algorithms developed to predict the effect of missense changes on protein structure and function are either unavailable or do not agree on the potential impact of this missense change (SIFT: "Deleterious"; PolyPhen-2: "Possibly Damaging"; Align-GVGD: "Class C15"). In summary, the available evidence is currently insufficient to determine the role of this variant in disease. Therefore, it has been classified as a Variant of Uncertain Significance.

NM_052813.5(CARD9):c.13G>A (p.Glu5Lys)

Gene: CARD9 (caspase recruitment domain family member 9; minus strand). Cytogenetic location: 9q34.3.
Variant type: single nucleotide variant.
Coding change: c.13G>A on transcript NM_052813.5 (MANE Select); coding-DNA position 13, G replaced by A.
Protein change: p.Glu5Lys; replaces glutamic acid 5 with lysine.
Molecular consequence: missense variant.
Genome position (GRCh38, 1-based): chr9:136,372,066, C>T on the plus strand (G>A on the coding strand, the complement: CARD9 is on the minus strand). VCF-style: chr9-136372066-C-T. GRCh37 (hg19) VCF-style: chr9-139266518-C-T.
Other names: c.13G>A, p.Glu5Lys (NM_052814.4); short protein forms E5K.
Identifiers: ClinVar variation 1025822 (VCV001025822.6), dbSNP rs371061371, ClinGen allele CA5333272.